The following is an entry in ClinVar:

NM_194302.4(CFAP65):c.5415G>A (p.Lys1805=)

Genes: CFAP65 (cilia and flagella associated protein 65; minus strand), CFAP65-AS1 (CFAP65 antisense RNA 1; plus strand). Cytogenetic location: 2q35.
Variant type: single nucleotide variant.
Coding change: c.5415G>A on transcript NM_194302.4 (MANE Select); coding-DNA position 5415, G replaced by A.
Protein change: p.Lys1805=; no amino-acid change (lysine 1805 retained).
Molecular consequence: synonymous variant.
Genome position (GRCh38, 1-based): chr2:219,004,092, C>T on the plus strand (G>A on the coding strand, the complement: CFAP65 is on the minus strand). VCF-style: chr2-219004092-C-T. GRCh37 (hg19) VCF-style: chr2-219868814-C-T.
Identifiers: ClinVar variation 2651903 (VCV002651903.25), dbSNP rs73089095, ClinGen allele CA2114673.

ClinVar aggregate classification (germline): Likely benign. Review status: criteria provided, multiple submitters, no conflicts (2 of 4 stars). 2 submissions from 2 submitters: Likely benign (2). Last evaluated 2024-09-18.

Allele frequency attached by ClinVar (database versions not stated): ESP Exome Variant Server 0.00223; gnomAD 0.00233; TOPMed 0.00266; 1000 Genomes Project 0.00300; 1000 Genomes Project 30x 0.00344.
gnomAD v4.1: 735 of 1,613,932 alleles (0.046%); highest among the groups gnomAD compares: African/African-American, 0.72%; 5 homozygotes.

Submissions (2):

Blueprint Genetics
Classification: Likely benign. Last evaluated: 2024-09-18. Review status: criteria provided, single submitter. Criteria: ACMG Guidelines, 2015. Collection method: clinical testing. Allele origin: germline.

CeGaT Center for Human Genetics Tuebingen
Classification: Likely benign. Last evaluated: 2022-03-01. Review status: criteria provided, single submitter. Criteria: CeGaT Center For Human Genetics Tuebingen Variant Classification Criteria Version 2. Collection method: clinical testing. Allele origin: germline. Affected: yes. Observed: 1 variant allele.
Comment: CFAP65: BP4, BP7